The following is an entry in ClinVar:

NM_173354.5(SIK1):c.1457C>T (p.Ala486Val)

Gene: SIK1 (salt inducible kinase 1; minus strand). Cytogenetic location: 21q22.3.
Variant type: single nucleotide variant.
Coding change: c.1457C>T on transcript NM_173354.5 (MANE Select); coding-DNA position 1457, C replaced by T.
Protein change: p.Ala486Val; replaces alanine 486 with valine.
Molecular consequence: missense variant.
Genome position (GRCh38, 1-based): chr21:43,419,026, G>A on the plus strand (C>T on the coding strand, the complement: SIK1 is on the minus strand). VCF-style: chr21-43419026-G-A. GRCh37 (hg19) VCF-style: chr21-44838906-G-A.
Other names: short protein forms A486V.
Identifiers: ClinVar variation 574251 (VCV000574251.21), dbSNP rs369897512, ClinGen allele CA321325804.

ClinVar aggregate classification (germline): Conflicting classifications of pathogenicity. Review status: criteria provided, conflicting classifications (1 of 4 stars). 5 submissions from 5 submitters: Uncertain significance (1); Benign (1); Likely benign (3). Last evaluated 2026-01-05.

Conditions:
Developmental and epileptic encephalopathy, 30 (DEE30). Also called: Epileptic encephalopathy, early infantile, 30. Identifiers: MedGen C4225360, MONDO:0014595, OMIM 616341.
Inborn genetic diseases. Identifiers: MedGen C0950123, MeSH D030342.

Allele frequency attached by ClinVar (database versions not stated): gnomAD 0.00010; gnomAD exomes 0.00028; ExAC 0.00032.

Submissions (5):

Labcorp Genetics (formerly Invitae), Labcorp
Classification: Likely benign for Developmental and epileptic encephalopathy, 30. Last evaluated: 2026-01-05. Review status: criteria provided, single submitter. Criteria: Invitae Variant Classification Sherloc (09022015). Collection method: clinical testing. Allele origin: germline.

CeGaT Center for Human Genetics Tuebingen
Classification: Benign. Last evaluated: 2025-12-01. Review status: criteria provided, single submitter. Criteria: CeGaT Center For Human Genetics Tuebingen Variant Classification Criteria Version 2. Collection method: clinical testing. Allele origin: germline. Affected: yes. Observed: 2 variant alleles.
Comment: SIK1: BS1, BS2

Ambry Genetics
Classification: Likely benign for Inborn genetic diseases. Last evaluated: 2025-04-02. Review status: criteria provided, single submitter. Criteria: Ambry Variant Classification Scheme 2023. Collection method: clinical testing. Allele origin: germline.

Blueprint Genetics
Classification: Likely benign. Last evaluated: 2024-11-22. Review status: criteria provided, single submitter. Criteria: ACMG Guidelines, 2015. Collection method: clinical testing. Allele origin: germline.

Fulgent Genetics
Classification: Uncertain significance for Developmental and epileptic encephalopathy, 30. Last evaluated: 2018-10-31. Review status: criteria provided, single submitter. Criteria: ACMG Guidelines, 2015. Collection method: clinical testing. Allele origin: unknown.